The following is an entry in ClinVar:

NM_000049.4(ASPA):c.237-2A>T

Genes: ASPA (aspartoacylase; plus strand), SPATA22 (spermatogenesis associated 22; minus strand). Cytogenetic location: 17p13.2.
Variant type: single nucleotide variant.
Coding change: c.237-2A>T on transcript NM_000049.4 (MANE Select); the canonical splice acceptor site of the intron before coding-DNA position 237, A replaced by T.
Molecular consequence: splice acceptor variant. On other transcripts: intron variant (2).
Genome position (GRCh38, 1-based): chr17:3,481,601, A>T. VCF-style: chr17-3481601-A-T. GRCh37 (hg19) VCF-style: chr17-3384895-A-T.
Other names: c.-73-12203T>A (NM_001321336.2, NM_001321337.2); c.237-2A>T (NM_001128085.1).
Identifiers: ClinVar variation 189114 (VCV000189114.28), dbSNP rs780936696, ClinGen allele CA274394.

ClinVar aggregate classification (germline): Pathogenic/Likely pathogenic. Review status: criteria provided, multiple submitters, no conflicts (2 of 4 stars). 6 submissions from 6 submitters: Pathogenic (3); Likely pathogenic (3). Last evaluated 2025-11-12.

Conditions:
Canavan Disease, Familial Form. Identifiers: MedGen C0751663.
Spongy degeneration of central nervous system. Also called: ASPA DEFICIENCY; ASPARTOACYLASE DEFICIENCY; ACY2 DEFICIENCY; AMINOACYLASE 2 DEFICIENCY; CANAVAN-VAN BOGAERT-BERTRAND DISEASE; ASP DEFICIENCY. Identifiers: Orphanet 141, MedGen C0206307, MONDO:0010079, OMIM 271900.

Allele frequency attached by ClinVar (database versions not stated): gnomAD 0.00001 and 0.00002; gnomAD exomes below 0.00001; TOPMed 0.00001.
gnomAD v4.1: 6 of 1,612,944 alleles (0.00037%); highest among the groups gnomAD compares: African/African-American, 0.0013%; no homozygotes.

Submissions (6):

Natera, Inc.
Classification: Pathogenic for Canavan Disease. Last evaluated: 2025-11-12. Review status: criteria provided, single submitter. Criteria: Natera Variant Classification Schema (03/2026). Collection method: clinical testing. Allele origin: germline.
Comment: The c.237-2A>T variant in ASPA is a canonical splice acceptor site variant predicted to affect pre-mRNA splicing, which may result in an abnormal transcript and altered protein product. This variant is expected to result in nonsense mediated decay, truncation, or a dysfunctional protein product. This variant is rare in the general population with a frequency below the threshold expected for the associated phenotype(s). Another variant at this same site results in an alteration predicted to cause a similar molecular effect has been observed in individual(s) with the associated phenotype. Given the available evidence, this variant is classified as Pathogenic.

Labcorp Genetics (formerly Invitae), Labcorp
Classification: Likely pathogenic for Spongy degeneration of central nervous system. Last evaluated: 2025-10-02. Review status: criteria provided, single submitter. Criteria: Invitae Variant Classification Sherloc (09022015). Collection method: clinical testing. Allele origin: germline.
Comment: This sequence change affects an acceptor splice site in intron 1 of the ASPA gene. It is expected to disrupt RNA splicing. Variants that disrupt the donor or acceptor splice site typically lead to a loss of protein function (PMID: 16199547), and loss-of-function variants in ASPA are known to be pathogenic (PMID: 12638939). This variant is present in population databases (rs780936696, gnomAD 0.01%). Disruption of this splice site has been observed in individual(s) with Canavan disease (PMID: 12638939, 16854607, 23253610). This variant is also known as IVS1-2A>T. ClinVar contains an entry for this variant (Variation ID: 189114). Algorithms developed to predict the effect of sequence changes on RNA splicing suggest that this variant may disrupt the consensus splice site. In summary, the currently available evidence indicates that the variant is pathogenic, but additional data are needed to prove that conclusively. Therefore, this variant has been classified as Likely Pathogenic.

Baylor Genetics
Classification: Pathogenic for Spongy degeneration of central nervous system. Last evaluated: 2023-08-10. Review status: criteria provided, single submitter. Criteria: ACMG Guidelines, 2015. Collection method: clinical testing. Allele origin: unknown.

Myriad Genetics, Inc.
Classification: Likely pathogenic for Spongy degeneration of central nervous system. Last evaluated: 2021-11-16. Review status: criteria provided, single submitter. Criteria: Myriad Women's Health Autosomal Recessive and X-Linked Classification Criteria (2021). Collection method: clinical testing. Allele origin: unknown.
Comment: NM_000049.2(ASPA):c.237-2A>T is a canonical splice variant classified as likely pathogenic in the context of Canavan disease. c.237-2A>T has been observed in cases with relevant disease (PMID: 12638939, 16854607). Functional assessments of this variant are available in the literature (PMID: 12638939). c.237-2A>T has been observed in population frequency databases (gnomAD: AFR 0.01%). In summary, NM_000049.2(ASPA):c.237-2A>T is a canonical splice variant in a gene where loss of function is a known mechanism of disease, is predicted to disrupt protein function, and has been observed more frequently in cases with the relevant disease than in healthy populations. Please note: this variant was assessed in the context of healthy population screening.

Genome-Nilou Lab
Classification: Likely pathogenic for Spongy degeneration of central nervous system. Last evaluated: 2021-11-07. Review status: criteria provided, single submitter. Criteria: ACMG Guidelines, 2015. Collection method: clinical testing. Allele origin: germline. Affected: no.

Women's Health and Genetics/Laboratory Corporation of America, LabCorp
Classification: Pathogenic for Canavan Disease, Familial Form. Last evaluated: 2021-02-21. Review status: criteria provided, single submitter. Criteria: LabCorp Variant Classification Summary - May 2015. Collection method: clinical testing. Allele origin: germline.
Comment: Variant summary: ASPA c.237-2A>T is located in a canonical splice-site and is predicted to affect mRNA splicing resulting in a significantly altered protein due to either exon skipping, shortening, or inclusion of intronic material. Several computational tools predict a significant impact on normal splicing: Three predict the variant abolishes a 3' acceptor site. At least one publication reported experimental evidence, confirming that this variant affects mRNA splicing, and results in the retention of 40 intronic nucleotides (Zeng_2002). The variant was absent in 249854 control chromosomes. c.237-2A>T has been reported in the literature in individuals affected with Canavan Disease and subsequently cited by others (example, Zeng_2002, Zeng_2006, Leone_2012), and in one of these reports patient derived fibroblasts were indicated to have very low (<4% wild type) aspartoacylase activities (Leone_2012). One clinical diagnostic laboratory has submitted clinical-significance assessments for this variant to ClinVar after 2014 without evidence for independent evaluation and classified the variant as uncertain significance citing overlapping evidence utilized in the context of this evaluation. Based on the clinical reports, predicted translational impact bolstered by splicing evidence and reduced enzyme activity levels as evidence outlined above, the variant was classified as pathogenic.

Literature cited by the submitters: PubMed 16199547 (cited by Labcorp Genetics (formerly Invitae), Labcorp); PubMed 12638939 (cited by 3 submitters); PubMed 16854607 (cited by 3 submitters); PubMed 23253610 (cited by Labcorp Genetics (formerly Invitae), Labcorp and Women's Health and Genetics/Laboratory Corporation of America, LabCorp).